The following is an entry in ClinVar:

NM_004279.3(PMPCB):c.1246A>G (p.Thr416Ala)

Gene: PMPCB (peptidase, mitochondrial processing subunit beta; plus strand). Cytogenetic location: 7q22.1.
Variant type: single nucleotide variant.
Coding change: c.1246A>G on transcript NM_004279.3 (MANE Select); coding-DNA position 1246, A replaced by G.
Protein change: p.Thr416Ala; replaces threonine 416 with alanine.
Molecular consequence: missense variant.
Genome position (GRCh38, 1-based): chr7:103,311,813, A>G. VCF-style: chr7-103311813-A-G. GRCh37 (hg19) VCF-style: chr7-102952260-A-G.
Other names: c.1246A>G (NM_004279.2); short protein forms T416A.
Identifiers: ClinVar variation 2798071 (VCV002798071.2), dbSNP rs184313811, ClinGen allele CA4418248.

ClinVar aggregate classification (germline): Uncertain significance. Review status: criteria provided, multiple submitters, no conflicts (2 of 4 stars). 2 submissions from 2 submitters: Uncertain significance (2). Last evaluated 2025-08-02.

Conditions:
Inborn genetic diseases. Identifiers: MedGen C0950123, MeSH D030342.

Allele frequency attached by ClinVar (database versions not stated): gnomAD 0.00001; TOPMed 0.00001; ExAC 0.00002; 1000 Genomes Project 0.00020; 1000 Genomes Project 30x 0.00031.
gnomAD v4.1: 6 of 1,611,404 alleles (0.00037%); highest among the groups gnomAD compares: Admixed American, 0.005%; no homozygotes.

Submissions (2):

Ambry Genetics
Classification: Uncertain significance for Inborn genetic diseases. Last evaluated: 2025-08-02. Review status: criteria provided, single submitter. Criteria: Ambry Variant Classification Scheme 2023. Collection method: clinical testing. Allele origin: germline.

Labcorp Genetics (formerly Invitae), Labcorp
Classification: Uncertain significance. Last evaluated: 2024-01-04. Review status: criteria provided, single submitter. Criteria: Invitae Variant Classification Sherloc (09022015). Collection method: clinical testing. Allele origin: germline.
Comment: This sequence change replaces threonine, which is neutral and polar, with alanine, which is neutral and non-polar, at codon 416 of the PMPCB protein (p.Thr416Ala). This variant is present in population databases (rs184313811, gnomAD 0.009%). This variant has not been reported in the literature in individuals affected with PMPCB-related conditions. Advanced modeling of protein sequence and biophysical properties (such as structural, functional, and spatial information, amino acid conservation, physicochemical variation, residue mobility, and thermodynamic stability) performed at Invitae indicates that this missense variant is not expected to disrupt PMPCB protein function with a negative predictive value of 80%. In summary, the available evidence is currently insufficient to determine the role of this variant in disease. Therefore, it has been classified as a Variant of Uncertain Significance.